The following is an entry in ClinVar:

ClinVar aggregate classification (germline): Likely benign (1 of 4 stars; one submission).

Submission:

GeneDx
Classification: Likely benign. Last evaluated: 2021-05-12. Review status: criteria provided, single submitter. Criteria: GeneDx Variant Classification Process June 2021. Collection method: clinical testing. Allele origin: germline. Affected: yes.
Comment: See Variant Classification Assertion Criteria.

NM_001379270.1(CNGA1):c.545+28dup

Genes: CNGA1 (cyclic nucleotide gated channel subunit alpha 1; minus strand), LOC101927157 (uncharacterized LOC101927157; plus strand). Cytogenetic location: 4p12.
Variant type: Duplication.
Coding change: c.545+28dup on transcript NM_001379270.1 (MANE Select); 28 bases into the intron after coding-DNA position 545, one base duplicated (T; older notation c.545+28dupT).
Molecular consequence: intron variant.
Genome position (GRCh38, 1-based): chr4:47,942,013, A duplicated on the plus strand (T on the coding strand, the reverse complement: CNGA1 is on the minus strand); the first of 18 consecutive A bases (chr4:47,942,013-47,942,030); duplicating any one gives the same sequence. VCF-style (leftmost placement, unchanged base first): chr4-47942012-C-CA. GRCh37 (hg19) VCF-style: chr4-47944029-C-CA.
Other names: c.545+28dup (NM_000087.5, NM_001142564.2).
Identifiers: ClinVar variation 1706785 (VCV001706785.2), dbSNP rs10709670, ClinGen allele CA2911249.